The following is an entry in ClinVar:

NM_005754.3(G3BP1):c.1245_1248dup (p.Ala417fs)

Gene: G3BP1 (G3BP stress granule assembly factor 1; plus strand). Cytogenetic location: 5q33.1.
Variant type: Duplication.
Coding change: c.1245_1248dup on transcript NM_005754.3 (MANE Select); coding-DNA positions 1245 to 1248, 4 bases duplicated (TCGA; older notation c.1245_1248dupTCGA).
Protein change: p.Ala417fs; shifts the reading frame from alanine 417.
Molecular consequence: frameshift variant.
Genome position (GRCh38, 1-based): chr5:151,803,935-151,803,938, TCGA duplicated. VCF-style (leftmost placement, unchanged base first): chr5-151803934-C-CTCGA. GRCh37 (hg19) VCF-style: chr5-151183495-C-CTCGA.
Other names: c.1245_1248dup, p.Ala417fs (NM_198395.2); short protein forms A417fs.
Identifiers: ClinVar variation 3370567 (VCV003370567.1).
Genomic context (GRCh38, chr5:151,803,934, plus strand): 5'-GATTCTTACAGCCCATCATGTTCAGAGGTGAGGTCCGTCTGAATGTCGAAGAGAAGAAGA[C>CTCGA]TCGAGCTGCCAGGGAAGGCGACCGACGAGATAATCGCCTTCGGGGACCTGGAGGCCCTCG-3'

ClinVar aggregate classification (germline): Uncertain significance (1 of 4 stars; one submission).

Submission:

GeneDx
Classification: Uncertain significance. Last evaluated: 2024-03-11. Review status: criteria provided, single submitter. Criteria: GeneDx Variant Classification Process June 2021. Collection method: clinical testing. Allele origin: germline. Affected: yes.
Comment: Not observed at significant frequency in large population cohorts (gnomAD); Frameshift variant predicted to result in abnormal protein length as the last 50 amino acids are replaced with 10 different amino acids in a gene for which loss-of-function is not an established mechanism of disease; Has not been previously published as pathogenic or benign to our knowledge